The following is an entry in ClinVar:

ClinVar aggregate classification (germline): Conflicting classifications of pathogenicity. Review status: criteria provided, conflicting classifications (1 of 4 stars). 5 submissions from 5 submitters: Uncertain significance (4); Likely benign (1). Last evaluated 2026-08-17.

Conditions:
Hereditary nonpolyposis colorectal neoplasms. Identifiers: MedGen C0009405, MeSH D003123.
Lynch syndrome. Identifiers: Orphanet 144, MedGen C4552100, MONDO:0005835. Disease mechanism: loss of function.
Hereditary cancer-predisposing syndrome. Also called: Neoplastic Syndromes, Hereditary; Hereditary neoplastic syndrome; Hereditary Cancer Syndrome; Tumor predisposition. Identifiers: Orphanet 140162, MedGen C0027672, MeSH D009386, MONDO:0015356.

Allele frequency attached by ClinVar (database versions not stated): TOPMed below 0.00001.

Submissions (5):

Ambry Genetics
Classification: Likely benign for Hereditary cancer-predisposing syndrome. Last evaluated: 2026-08-17. Review status: criteria provided, single submitter. Criteria: Ambry Variant Classification Scheme 2023. Collection method: clinical testing. Allele origin: germline.

Labcorp Genetics (formerly Invitae), Labcorp
Classification: Uncertain significance for Hereditary nonpolyposis colorectal neoplasms. Last evaluated: 2024-04-12. Review status: criteria provided, single submitter. Criteria: Invitae Variant Classification Sherloc (09022015). Collection method: clinical testing. Allele origin: germline.
Comment: This sequence change replaces threonine, which is neutral and polar, with alanine, which is neutral and non-polar, at codon 558 of the PMS2 protein (p.Thr558Ala). This variant is not present in population databases (gnomAD no frequency). This variant has not been reported in the literature in individuals affected with PMS2-related conditions. ClinVar contains an entry for this variant (Variation ID: 422983). Advanced modeling of protein sequence and biophysical properties (such as structural, functional, and spatial information, amino acid conservation, physicochemical variation, residue mobility, and thermodynamic stability) performed at Invitae indicates that this missense variant is not expected to disrupt PMS2 protein function with a negative predictive value of 80%. In summary, the available evidence is currently insufficient to determine the role of this variant in disease. Therefore, it has been classified as a Variant of Uncertain Significance.

All of Us Research Program, National Institutes of Health
Classification: Uncertain significance for Lynch syndrome. Last evaluated: 2023-02-22. Review status: criteria provided, single submitter. Criteria: ACMG Guidelines, 2015. Collection method: clinical testing. Allele origin: germline. Inheritance: Autosomal dominant inheritance. Observed: 1 variant allele, 1 heterozygote.
Comment: This study involves interpretation of variants in research participants for the purpose of population health screening. Participant phenotype was not available at the time of variant classification. Additional details can be found in publication PMID: 35346344, PMCID: PMC8962531

Color Diagnostics, LLC DBA Color Health
Classification: Uncertain significance for Hereditary cancer-predisposing syndrome. Last evaluated: 2019-01-18. Review status: criteria provided, single submitter. Criteria: ACMG Guidelines, 2015. Collection method: clinical testing. Allele origin: germline.

GeneDx
Classification: Uncertain significance. Last evaluated: 2017-01-02. Review status: criteria provided, single submitter. Criteria: GeneDx Variant Classification (06012015). Collection method: clinical testing. Allele origin: germline. Affected: yes.
Comment: This variant is denoted PMS2 c.1672A>G at the cDNA level, p.Thr558Ala (T558A) at the protein level, and results in the change of a Threonine to an Alanine (ACC>GCC). This variant has not, to our knowledge, been published in the literature as a germline variant; however, it has been reported as a somatic variant in astrocytoma (Killela 2014). PMS2 Thr558Ala was not observed in approximately 6,500 individuals of European and African American ancestry in the NHLBI Exome Sequencing Project, suggesting it is not a common benign variant in these populations. Since Threonine and Alanine differ in polarity, charge, size or other properties, this is considered a non-conservative amino acid substitution. PMS2 Thr558Ala occurs at a position that is not conserved and is not located in a known functional domain (Guarne 2001, Fukui 2011). In silico analyses predict that this variant is unlikely to alter protein structure or function. Based on currently available evidence, it is unclear whether PMS2 Thr558Ala is a pathogenic or benign variant. We consider it to be a variant of uncertain significance.

NM_000535.7(PMS2):c.1672A>G (p.Thr558Ala)

Gene: PMS2 (PMS1 homolog 2, mismatch repair system component; minus strand). Cytogenetic location: 7p22.1.
Variant type: single nucleotide variant.
Coding change: c.1672A>G on transcript NM_000535.7 (MANE Select); coding-DNA position 1672, A replaced by G.
Protein change: p.Thr558Ala; replaces threonine 558 with alanine.
Molecular consequence: missense variant. On other transcripts: non-coding transcript variant (1).
Genome position (GRCh38, 1-based): chr7:5,987,093, T>C on the plus strand (A>G on the coding strand, the complement: PMS2 is on the minus strand). VCF-style: chr7-5987093-T-C. GRCh37 (hg19) VCF-style: chr7-6026724-T-C.
Other names: c.1267A>G, p.Thr423Ala (NM_001322003.2, NM_001322004.2, NM_001322005.2 and 1 more transcripts); c.1516A>G, p.Thr506Ala (NM_001322006.2); c.1354A>G, p.Thr452Ala (NM_001322007.2, NM_001322008.2); c.1111A>G, p.Thr371Ala (NM_001322010.2); c.739A>G, p.Thr247Ala (NM_001322011.2, NM_001322012.2); c.1099A>G, p.Thr367Ala (NM_001322013.2); c.1672A>G, p.Thr558Ala (NM_001322014.2); c.1363A>G, p.Thr455Ala (NM_001322015.2); short protein forms T558A, T367A, T371A, T423A, T452A, T247A, T506A, T455A.
Identifiers: ClinVar variation 422983 (VCV000422983.11), dbSNP rs781106967, ClinGen allele CA16618504.